The following is an entry in ClinVar:

ClinVar aggregate classification (germline): Uncertain significance (1 of 4 stars; one submission).

Conditions:
Ataxia-telangiectasia syndrome (AT). Also called: Ataxia-telangiectasia, complementation group D; AT, COMPLEMENTATION GROUP C; Ataxia-telangiectasia; Ataxia telangiectasia (A-T); Cerebello-oculocutaneous telangiectasia; Immunodeficiency with ataxia telangiectasia. Identifiers: Orphanet 100, MedGen C0004135, MONDO:0008840, OMIM 208900.

Submission:

Labcorp Genetics (formerly Invitae), Labcorp
Classification: Uncertain significance for Ataxia-telangiectasia syndrome. Last evaluated: 2024-09-27. Review status: criteria provided, single submitter. Criteria: Invitae Variant Classification Sherloc (09022015). Collection method: clinical testing. Allele origin: germline.
Comment: This sequence change replaces valine, which is neutral and non-polar, with isoleucine, which is neutral and non-polar, at codon 555 of the ATM protein (p.Val555Ile). This variant is not present in population databases (gnomAD no frequency). This variant has not been reported in the literature in individuals affected with ATM-related conditions. An algorithm developed to predict the effect of missense changes on protein structure and function outputs the following: PolyPhen-2: "Benign". The isoleucine amino acid residue is found in multiple mammalian species, which suggests that this missense change does not adversely affect protein function. In summary, the available evidence is currently insufficient to determine the role of this variant in disease. Therefore, it has been classified as a Variant of Uncertain Significance.

NM_000051.4(ATM):c.1663G>A (p.Val555Ile)

Gene: ATM (ATM serine/threonine kinase; plus strand). Cytogenetic location: 11q22.3.
Variant type: single nucleotide variant.
Coding change: c.1663G>A on transcript NM_000051.4 (MANE Select); coding-DNA position 1663, G replaced by A.
Protein change: p.Val555Ile; replaces valine 555 with isoleucine.
Molecular consequence: missense variant.
Genome position (GRCh38, 1-based): chr11:108,251,892, G>A. VCF-style: chr11-108251892-G-A. GRCh37 (hg19) VCF-style: chr11-108122619-G-A.
Other names: c.1663G>A, p.Val555Ile (NM_001351834.2); short protein forms V555I.
Identifiers: ClinVar variation 3625082 (VCV003625082.2).